The following is an entry in ClinVar:

ClinVar aggregate classification (germline): Uncertain significance. Review status: criteria provided, multiple submitters, no conflicts (2 of 4 stars). 3 submissions from 3 submitters: Uncertain significance (3). Last evaluated 2025-12-01.

Conditions:
Stargardt disease (FFM). Also called: Stargardt's disease; Fundus flavimaculatus. Identifiers: Orphanet 827, MedGen C0271093, MONDO:0019353.

Submissions (3):

Labcorp Genetics (formerly Invitae), Labcorp
Classification: Uncertain significance. Last evaluated: 2025-12-01. Review status: criteria provided, single submitter. Criteria: Invitae Variant Classification Sherloc (09022015). Collection method: clinical testing. Allele origin: germline.
Comment: This sequence change replaces histidine, which is basic and polar, with cysteine, which is neutral and slightly polar, at codon 423 of the ABCA4 protein (p.His423Cys). This variant is present in population databases (no rsID available, gnomAD 0.01%). This variant has not been reported in the literature in individuals affected with ABCA4-related conditions. ClinVar contains an entry for this variant (Variation ID: 941627). An algorithm developed to predict the effect of missense changes on protein structure and function (PolyPhen-2) suggests that this variant is likely to be tolerated. In summary, the available evidence is currently insufficient to determine the role of this variant in disease. Therefore, it has been classified as a Variant of Uncertain Significance.

Blueprint Genetics
Classification: Uncertain significance. Last evaluated: 2023-04-10. Review status: criteria provided, single submitter. Criteria: ACMG Guidelines, 2015. Collection method: clinical testing. Allele origin: germline.

Victorian Clinical Genetics Services, Murdoch Childrens Research Institute
Classification: Uncertain significance for Stargardt disease. Last evaluated: 2021-05-06. Review status: criteria provided, single submitter. Criteria: ACMG Guidelines, 2015. Collection method: clinical testing. Allele origin: germline.
Comment: Based on the classification scheme VCGS_Germline_v1.3.4, this variant is classified as VUS-3C. Following criteria are met: 0102 - Loss of function is a known mechanism of disease in this gene and is associated with ABCA4-related eye disease (OMIM). (I) 0106 - This gene is associated with autosomal recessive disease. (I) 0115 - Variants in this gene are known to have variable expressivity (PMID: 31522899). (I) 0200 - Variant is predicted to result in a missense amino acid change from histidine to cysteine. This is likely due to an inversion event of two nucleotides. (I) 0251 - This variant is heterozygous. (I) 0304 - Variant is present in gnomAD (v2) <0.01 for a recessive condition (30 individuals). This zygosity of these individuals (heterozygous or homozygous) is unknown. (SP) 0309 - An alternative amino acid change at the same position has been observed in gnomAD (v2) (52722 heterozygotes, 9821 homozygotes). (I) 0503 - Missense variant consistently predicted to be tolerated by two in silico tools or not conserved in placental mammals with a minor amino acid change. (SB) 0604 - Variant is not located in an established domain, motif, hotspot or informative constraint region. (I) 0709 - Another missense variant comparable to the one identified in this case has strong previous evidence for being benign. This alternative change (p.His423Arg) has been reported many times as likely benign and benign. Other alternative changes (p.His423Tyr, p.His423Pro) have also been observed, and have been reported as VUS (ClinVar, LOVD). (SB) 0809 - Previous evidence of pathogenicity for this variant is inconclusive. This variant has been reported as a VUS (ClinVar). (I) 0905 - No published segregation evidence has been identified for this variant. (I) 1007 - No published functional evidence has been identified for this variant. (I) 1208 - Inheritance information for this variant is not currently available in this individual. (I) Legend: (SP) - Supporting pathogenic, (I) - Information, (SB) - Supporting benign

Literature cited by the submitters: PubMed 31522899 (cited by Victorian Clinical Genetics Services, Murdoch Childrens Research Institute).

NM_000350.3(ABCA4):c.1267_1268inv (p.His423Cys)

Gene: ABCA4 (ATP binding cassette subfamily A member 4; minus strand). Cytogenetic location: 1p22.1.
Variant type: Inversion.
Coding change: c.1267_1268inv on transcript NM_000350.3 (MANE Select).
Protein change: p.His423Cys; replaces histidine 423 with cysteine.
Molecular consequence: missense variant.
Genome position: GRCh38 VCF-style: chr1-94078678-TG-CA. GRCh37 (hg19) VCF-style: chr1-94544234-TG-CA.
Other names: c.1267_1268delCAinsTG (NM_000350.2); c.1267_1268invCA, p.His423Cys (NM_001425324.1); short protein forms H423C.
Identifiers: ClinVar variation 941627 (VCV000941627.12), ClinGen allele CA1139656196.